The following is an entry in ClinVar:

ClinVar aggregate classification (germline): Uncertain significance (1 of 4 stars; one submission).

Conditions:
Brain malformations with or without urinary tract defects. Also called: Brain malformations and urinary tract defects. Identifiers: MedGen C4478940, MONDO:0100478, OMIM 613735.

Submission:

Victorian Clinical Genetics Services, Murdoch Childrens Research Institute
Classification: Uncertain significance for Brain malformations with or without urinary tract defects. Last evaluated: 2023-07-17. Review status: criteria provided, single submitter. Criteria: ACMG Guidelines, 2015. Collection method: clinical testing. Allele origin: germline. Inheritance: Autosomal dominant inheritance. Affected: yes.
Comment: Based on the classification scheme VCGS_Germline_v1.3.3, this variant is classified as VUS-3A. Following criteria are met: 0102 - Loss of function is a known mechanism of disease in this gene and is associated with brain malformations with or without urinary tract defects (MIM#613735). (I) 0107 - This gene is associated with autosomal dominant disease. (I) 0200 - Variant is predicted to result in a missense amino acid change from valine to phenylalanine. (I) 0251 - This variant is heterozygous. (I) 0301 - Variant is absent from gnomAD (both v2 and v3). (SP) 0502 - Missense variant with conflicting in silico predictions and uninformative conservation. (I) 0600 - Variant is located in the annotated MH1 domain (PDB, NCBI). (I) 0705 - No comparable missense variants have previous evidence for pathogenicity. (I) 0807 - This variant has no previous evidence of pathogenicity. (I) 0905 - No published segregation evidence has been identified for this variant. (I) 1007 - No published functional evidence has been identified for this variant. (I) Legend: (SP) - Supporting pathogenic, (I) - Information, (SB) - Supporting benign

NM_001134673.4(NFIA):c.310G>T (p.Val104Phe)

Gene: NFIA (nuclear factor I A; plus strand). Cytogenetic location: 1p31.3.
Variant type: single nucleotide variant.
Coding change: c.310G>T on transcript NM_001134673.4 (MANE Select); coding-DNA position 310, G replaced by T.
Protein change: p.Val104Phe; replaces valine 104 with phenylalanine.
Molecular consequence: missense variant.
Genome position (GRCh38, 1-based): chr1:61,088,431, G>T. VCF-style: chr1-61088431-G-T. GRCh37 (hg19) VCF-style: chr1-61554103-G-T.
Other names: c.286G>T, p.Val96Phe (NM_001145511.2); c.445G>T, p.Val149Phe (NM_001145512.2); c.310G>T, p.Val104Phe (NM_005595.5); short protein forms V104F, V149F, V96F.
Identifiers: ClinVar variation 1804914 (VCV001804914.3), dbSNP rs2524200586, ClinGen allele CA340586755.